The following is an entry in ClinVar:

ClinVar aggregate classification (germline): Uncertain significance. Review status: criteria provided, multiple submitters, no conflicts (2 of 4 stars). 2 submissions from 2 submitters: Uncertain significance (2). Last evaluated 2026-04-19.

Conditions:
Hereditary cancer-predisposing syndrome. Also called: Neoplastic Syndromes, Hereditary; Tumor predisposition; Hereditary Cancer Syndrome; Hereditary neoplastic syndrome. Identifiers: Orphanet 140162, MedGen C0027672, MeSH D009386, MONDO:0015356.
Neuroblastoma, susceptibility to, 3. Also called: ALK-Related Neuroblastic Tumor Susceptibility. Identifiers: Orphanet 635, MedGen C2751681, MONDO:0013083, OMIM 613014.

Submissions (2):

Ambry Genetics
Classification: Uncertain significance for Hereditary cancer-predisposing syndrome. Last evaluated: 2026-04-19. Review status: criteria provided, single submitter. Criteria: Ambry Variant Classification Scheme 2023. Collection method: clinical testing. Allele origin: germline.
Comment: The p.L414F variant (also known as c.1242G>C), located in coding exon 5 of the ALK gene, results from a G to C substitution at nucleotide position 1242. The leucine at codon 414 is replaced by phenylalanine, an amino acid with highly similar properties. This amino acid position is conserved. In addition, this alteration is predicted to be tolerated by in silico analysis. Based on the available evidence, the clinical significance of this variant remains unclear.

Labcorp Genetics (formerly Invitae), Labcorp
Classification: Uncertain significance for Neuroblastoma, susceptibility to, 3. Last evaluated: 2022-09-13. Review status: criteria provided, single submitter. Criteria: Invitae Variant Classification Sherloc (09022015). Collection method: clinical testing. Allele origin: germline.
Comment: In summary, the available evidence is currently insufficient to determine the role of this variant in disease. Therefore, it has been classified as a Variant of Uncertain Significance. Algorithms developed to predict the effect of missense changes on protein structure and function are either unavailable or do not agree on the potential impact of this missense change (SIFT: "Deleterious"; PolyPhen-2: "Possibly Damaging"; Align-GVGD: "Class C0"). This sequence change replaces leucine, which is neutral and non-polar, with phenylalanine, which is neutral and non-polar, at codon 414 of the ALK protein (p.Leu414Phe). This variant is not present in population databases (gnomAD no frequency). This variant has not been reported in the literature in individuals affected with ALK-related conditions.

NM_004304.5(ALK):c.1242G>C (p.Leu414Phe)

Gene: ALK (ALK receptor tyrosine kinase; minus strand). Cytogenetic location: 2p23.2.
Variant type: single nucleotide variant.
Coding change: c.1242G>C on transcript NM_004304.5 (MANE Select); coding-DNA position 1242, G replaced by C.
Protein change: p.Leu414Phe; replaces leucine 414 with phenylalanine.
Molecular consequence: missense variant.
Genome position (GRCh38, 1-based): chr2:29,383,772, C>G on the plus strand (G>C on the coding strand, the complement: ALK is on the minus strand). VCF-style: chr2-29383772-C-G. GRCh37 (hg19) VCF-style: chr2-29606638-C-G.
Other names: c.1242G>C (NM_004304.4); short protein forms L414F.
Identifiers: ClinVar variation 2057544 (VCV002057544.5), dbSNP rs2148301509, ClinGen allele CA346585165.